The following is an entry in ClinVar:

ClinVar aggregate classification (germline): Pathogenic (1 of 4 stars; one submission).

Conditions:
Autosomal recessive nonsyndromic hearing loss 36. Also called: Deafness, autosomal recessive 36; DEAFNESS, AUTOSOMAL RECESSIVE 36, WITH VESTIBULAR INVOLVEMENT. Identifiers: Orphanet 90636, MedGen C1837007, MONDO:0012170, OMIM 609006.

Submission:

Institute of Rare Diseases, West China Hospital, Sichuan University
Classification: Pathogenic for Autosomal recessive nonsyndromic hearing loss 36. Last evaluated: 2025-01-09. Review status: criteria provided, single submitter. Criteria: ClinGen HL ACMG Specifications v1. Collection method: research. Allele origin: germline. Affected: yes.
Comment: PVS1;PM3_Supporting;PM2_Supporting

NM_031475.3(ESPN):c.1916-1G>A

Gene: ESPN (espin; plus strand). Cytogenetic location: 1p36.31.
Variant type: single nucleotide variant.
Coding change: c.1916-1G>A on transcript NM_031475.3 (MANE Select); the canonical splice acceptor site of the intron before coding-DNA position 1916, G replaced by A.
Molecular consequence: splice acceptor variant.
Genome position (GRCh38, 1-based): chr1:6,451,602, G>A. VCF-style: chr1-6451602-G-A. GRCh37 (hg19) VCF-style: chr1-6511662-G-A.
Other names: c.1853-1G>A (NM_001367474.1); c.1826-1G>A (NM_001367473.1).
Identifiers: ClinVar variation 3601083 (VCV003601083.1).